The following is an entry in ClinVar:

ClinVar aggregate classification (germline): Uncertain significance. Review status: criteria provided, multiple submitters, no conflicts (2 of 4 stars). 2 submissions from 2 submitters: Uncertain significance (2). Last evaluated 2026-07-18.

Conditions:
Hereditary cancer-predisposing syndrome. Also called: Tumor predisposition; Hereditary Cancer Syndrome; Hereditary neoplastic syndrome; Neoplastic Syndromes, Hereditary. Identifiers: Orphanet 140162, MedGen C0027672, MeSH D009386, MONDO:0015356.
Neuroblastoma, susceptibility to, 3. Also called: ALK-Related Neuroblastic Tumor Susceptibility. Identifiers: Orphanet 635, MedGen C2751681, MONDO:0013083, OMIM 613014.

Submissions (2):

Ambry Genetics
Classification: Uncertain significance for Hereditary cancer-predisposing syndrome. Last evaluated: 2026-07-18. Review status: criteria provided, single submitter. Criteria: Ambry Variant Classification Scheme 2023. Collection method: clinical testing. Allele origin: germline.
Comment: The p.G103R variant (also known as c.307G>A), located in coding exon 1 of the ALK gene, results from a G to A substitution at nucleotide position 307. The glycine at codon 103 is replaced by arginine, an amino acid with dissimilar properties. This amino acid position is conserved. In addition, the in silico prediction for this alteration is inconclusive. Based on the available evidence, the clinical significance of this variant remains unclear.

Labcorp Genetics (formerly Invitae), Labcorp
Classification: Uncertain significance for Neuroblastoma, susceptibility to, 3. Last evaluated: 2020-03-24. Review status: criteria provided, single submitter. Criteria: Invitae Variant Classification Sherloc (09022015). Collection method: clinical testing. Allele origin: germline.
Comment: In summary, the available evidence is currently insufficient to determine the role of this variant in disease. Therefore, it has been classified as a Variant of Uncertain Significance. Algorithms developed to predict the effect of missense changes on protein structure and function are either unavailable or do not agree on the potential impact of this missense change (SIFT: "Deleterious"; PolyPhen-2: "Benign"; Align-GVGD: "Class C0"). This variant has not been reported in the literature in individuals with ALK-related conditions. The frequency data for this variant in the population databases is considered unreliable, as metrics indicate insufficient coverage at this position in the ExAC database. This sequence change replaces glycine with arginine at codon 103 of the ALK protein (p.Gly103Arg). The glycine residue is moderately conserved and there is a moderate physicochemical difference between glycine and arginine.

NM_004304.5(ALK):c.307G>A (p.Gly103Arg)

Gene: ALK (ALK receptor tyrosine kinase; minus strand). Cytogenetic location: 2p23.1.
Variant type: single nucleotide variant.
Coding change: c.307G>A on transcript NM_004304.5 (MANE Select); coding-DNA position 307, G replaced by A.
Protein change: p.Gly103Arg; replaces glycine 103 with arginine.
Molecular consequence: missense variant.
Genome position (GRCh38, 1-based): chr2:29,920,353, C>T on the plus strand (G>A on the coding strand, the complement: ALK is on the minus strand). VCF-style: chr2-29920353-C-T. GRCh37 (hg19) VCF-style: chr2-30143219-C-T.
Other names: c.307G>A (NM_004304.4); short protein forms G103R.
Identifiers: ClinVar variation 1059620 (VCV001059620.10), dbSNP rs1321334043, ClinGen allele CA346590292.